The following is an entry in ClinVar:

ClinVar aggregate classification (germline): Uncertain significance (1 of 4 stars; one submission).

Conditions:
ZSWIM6-related disorder. Also called: ZSWIM6-related condition.

gnomAD v4.1: 1 of 1,551,278 alleles (0.000064%); highest among the groups gnomAD compares: Non-Finnish European, 0.000087%; no homozygotes.

Submission:

PreventionGenetics, part of Exact Sciences
Classification: Uncertain significance for ZSWIM6-related condition. Last evaluated: 2025-04-16. Review status: criteria provided, single submitter. Criteria: ACMG Guidelines, 2015. Collection method: clinical testing. Allele origin: germline.
Comment: The ZSWIM6 c.1960C>A variant is predicted to result in the amino acid substitution p.Leu654Ile. To our knowledge, this variant has not been reported in the literature or in a large population database (gnomAD), indicating this variant is rare. At this time, the clinical significance of this variant is uncertain due to the absence of conclusive functional and genetic evidence.

NM_020928.2(ZSWIM6):c.1960C>A (p.Leu654Ile)

Gene: ZSWIM6 (zinc finger SWIM-type containing 6; plus strand). Cytogenetic location: 5q12.1.
Variant type: single nucleotide variant.
Coding change: c.1960C>A on transcript NM_020928.2 (MANE Select); coding-DNA position 1960, C replaced by A.
Protein change: p.Leu654Ile; replaces leucine 654 with isoleucine.
Molecular consequence: missense variant.
Genome position (GRCh38, 1-based): chr5:61,530,174, C>A. VCF-style: chr5-61530174-C-A. GRCh37 (hg19) VCF-style: chr5-60826001-C-A.
Other names: short protein forms L654I.
Identifiers: ClinVar variation 5002134 (VCV005002134.1).